The following is an entry in ClinVar:

ClinVar aggregate classification (germline): Uncertain significance. Review status: criteria provided, multiple submitters, no conflicts (2 of 4 stars). 2 submissions from 2 submitters: Uncertain significance (2). Last evaluated 2025-12-12.

Conditions:
Cardiovascular phenotype. Identifiers: MedGen CN230736.
Hereditary cancer-predisposing syndrome. Also called: Hereditary neoplastic syndrome; Tumor predisposition; Neoplastic Syndromes, Hereditary; Hereditary Cancer Syndrome. Identifiers: Orphanet 140162, MedGen C0027672, MeSH D009386, MONDO:0015356.
Neurofibromatosis, type 1 (NF1). Also called: Peripheral type neurofibromatosis; VON RECKLINGHAUSEN DISEASE; NEUROFIBROMATOSIS, TYPE I, SOMATIC; Neurofibromatosis, type I. Identifiers: Orphanet 636, MedGen C0027831, MONDO:0018975, OMIM 162200. Disease mechanism: loss of function.

Submissions (2):

Ambry Genetics
Classification: Uncertain significance for Cardiovascular phenotype; Hereditary cancer-predisposing syndrome. Last evaluated: 2025-12-12. Review status: criteria provided, single submitter. Criteria: Ambry Variant Classification Scheme 2023. Collection method: clinical testing. Allele origin: germline.
Comment: The p.A463T variant (also known as c.1387G>A), located in coding exon 12 of the NF1 gene, results from a G to A substitution at nucleotide position 1387. The alanine at codon 463 is replaced by threonine, an amino acid with similar properties. This amino acid position is not well conserved in available vertebrate species. In addition, this alteration is predicted to be tolerated by in silico analysis. Based on the available evidence, the clinical significance of this variant remains unclear.

Labcorp Genetics (formerly Invitae), Labcorp
Classification: Uncertain significance for Neurofibromatosis, type 1. Last evaluated: 2022-08-24. Review status: criteria provided, single submitter. Criteria: Invitae Variant Classification Sherloc (09022015). Collection method: clinical testing. Allele origin: germline.
Comment: In summary, the available evidence is currently insufficient to determine the role of this variant in disease. Therefore, it has been classified as a Variant of Uncertain Significance. Advanced modeling of protein sequence and biophysical properties (such as structural, functional, and spatial information, amino acid conservation, physicochemical variation, residue mobility, and thermodynamic stability) performed at Invitae indicates that this missense variant is not expected to disrupt NF1 protein function. This variant has not been reported in the literature in individuals affected with NF1-related conditions. This variant is not present in population databases (gnomAD no frequency). This sequence change replaces alanine, which is neutral and non-polar, with threonine, which is neutral and polar, at codon 463 of the NF1 protein (p.Ala463Thr).

NM_001042492.3(NF1):c.1387G>A (p.Ala463Thr)

Gene: NF1 (neurofibromin 1; plus strand). Cytogenetic location: 17q11.2.
Variant type: single nucleotide variant.
Coding change: c.1387G>A on transcript NM_001042492.3 (MANE Select); coding-DNA position 1387, G replaced by A.
Protein change: p.Ala463Thr; replaces alanine 463 with threonine.
Molecular consequence: missense variant.
Genome position (GRCh38, 1-based): chr17:31,206,366, G>A. VCF-style: chr17-31206366-G-A. GRCh37 (hg19) VCF-style: chr17-29533384-G-A.
Other names: c.1387G>A, p.Ala463Thr (NM_000267.4, NM_001128147.3); short protein forms A463T.
Identifiers: ClinVar variation 1717924 (VCV001717924.6), dbSNP rs1555611607, ClinGen allele CA398999901.